The following is an entry in ClinVar:

ClinVar aggregate classification (germline): Pathogenic (1 of 4 stars; one submission).

Conditions:
Ehlers-Danlos syndrome, dermatosparaxis type. Also called: EDS VIIC; Ehlers-Danlos syndrome, type VII, autosomal recessive; Dermatosparaxis. Identifiers: Orphanet 1901, MedGen C2700425, MONDO:0009161, OMIM 225410.

Submission:

Labcorp Genetics (formerly Invitae), Labcorp
Classification: Pathogenic for Ehlers-Danlos syndrome, dermatosparaxis type. Last evaluated: 2020-06-25. Review status: criteria provided, single submitter. Criteria: Invitae Variant Classification Sherloc (09022015). Collection method: clinical testing. Allele origin: germline.
Comment: This sequence change creates a premature translational stop signal (p.Ser76*) in the ADAMTS2 gene. It is expected to result in an absent or disrupted protein product. This variant is not present in population databases (ExAC no frequency). This variant has not been reported in the literature in individuals with ADAMTS2-related conditions. Algorithms developed to predict the effect of sequence changes on RNA splicing suggest that this variant may create or strengthen a splice site, but this prediction has not been confirmed by published transcriptional studies. Loss-of-function variants in ADAMTS2 are known to be pathogenic (PMID: 10417273). For these reasons, this variant has been classified as Pathogenic.

Literature cited by the submitters: PubMed 10417273.

NM_014244.5(ADAMTS2):c.227C>A (p.Ser76Ter)

Gene: ADAMTS2 (ADAM metallopeptidase with thrombospondin type 1 motif 2; minus strand). Cytogenetic location: 5q35.3.
Variant type: single nucleotide variant.
Coding change: c.227C>A on transcript NM_014244.5 (MANE Select); coding-DNA position 227, C replaced by A.
Protein change: p.Ser76Ter; replaces serine 76 with a stop codon.
Molecular consequence: nonsense.
Genome position (GRCh38, 1-based): chr5:179,344,074, G>T on the plus strand (C>A on the coding strand, the complement: ADAMTS2 is on the minus strand). VCF-style: chr5-179344074-G-T. GRCh37 (hg19) VCF-style: chr5-178771075-G-T.
Other names: c.227C>A, p.Ser76Ter (NM_021599.4); short protein forms S76*.
Identifiers: ClinVar variation 1070257 (VCV001070257.7), dbSNP rs916172129, ClinGen allele CA362623250.